The following is an entry in ClinVar:

ClinVar aggregate classification (germline): Uncertain significance (1 of 4 stars; one submission).

Allele frequency attached by ClinVar (database versions not stated): gnomAD 0.00001.
gnomAD v4.1: 3 of 1,612,738 alleles (0.00019%); highest among the groups gnomAD compares: Admixed American, 0.0033%; no homozygotes.

Submission:

Labcorp Genetics (formerly Invitae), Labcorp
Classification: Uncertain significance. Last evaluated: 2023-10-05. Review status: criteria provided, single submitter. Criteria: Invitae Variant Classification Sherloc (09022015). Collection method: clinical testing. Allele origin: germline.
Comment: This sequence change replaces methionine, which is neutral and non-polar, with leucine, which is neutral and non-polar, at codon 2472 of the ASPM protein (p.Met2472Leu). This variant is present in population databases (rs763267401, gnomAD 0.007%). This variant has not been reported in the literature in individuals affected with ASPM-related conditions. Advanced modeling of protein sequence and biophysical properties (such as structural, functional, and spatial information, amino acid conservation, physicochemical variation, residue mobility, and thermodynamic stability) performed at Invitae indicates that this missense variant is not expected to disrupt ASPM protein function. In summary, the available evidence is currently insufficient to determine the role of this variant in disease. Therefore, it has been classified as a Variant of Uncertain Significance.

NM_018136.5(ASPM):c.7414A>T (p.Met2472Leu)

Gene: ASPM (assembly factor for spindle microtubules; minus strand). Cytogenetic location: 1q31.3.
Variant type: single nucleotide variant.
Coding change: c.7414A>T on transcript NM_018136.5 (MANE Select); coding-DNA position 7414, A replaced by T.
Protein change: p.Met2472Leu; replaces methionine 2472 with leucine.
Molecular consequence: missense variant. On other transcripts: intron variant (1).
Genome position (GRCh38, 1-based): chr1:197,101,837, T>A on the plus strand (A>T on the coding strand, the complement: ASPM is on the minus strand). VCF-style: chr1-197101837-T-A. GRCh37 (hg19) VCF-style: chr1-197070967-T-A.
Other names: c.4066-5673A>T (NM_001206846.2); short protein forms M2472L.
Identifiers: ClinVar variation 2954950 (VCV002954950.3), dbSNP rs763267401, ClinGen allele CA1309410.